The following is an entry in ClinVar:

ClinVar aggregate classification (germline): Likely benign. Review status: criteria provided, multiple submitters, no conflicts (2 of 4 stars). 2 submissions from 2 submitters: Likely benign (2). Last evaluated 2025-02-16.

Submissions (2):

Laboratory of Genetics, Children's Clinical University Hospital Latvia
Classification: Likely benign. Last evaluated: 2025-02-16. Review status: criteria provided, single submitter. Criteria: ACMG Guidelines, 2015. Collection method: clinical testing. Allele origin: germline. Affected: yes.

CeGaT Center for Human Genetics Tuebingen
Classification: Likely benign. Last evaluated: 2025-01-01. Review status: criteria provided, single submitter. Criteria: CeGaT Center For Human Genetics Tuebingen Variant Classification Criteria Version 2. Collection method: clinical testing. Allele origin: germline. Affected: yes. Observed: 1 variant allele.
Comment: H1-4: PM4, BS2

NM_005321.3(H1-4):c.618_632del (p.Ala208_Lys212del)

Gene: H1-4 (H1.4 linker histone, cluster member; plus strand). Cytogenetic location: 6p22.2.
Variant type: Deletion.
Coding change: c.618_632del on transcript NM_005321.3 (MANE Select); coding-DNA positions 618 to 632, 15 bases deleted (CAAGGCAGCCAAGCC).
Protein change: p.Ala208_Lys212del.
Genome position (GRCh38, 1-based): chr6:26,157,008-26,157,022, CAAGGCAGCCAAGCC deleted; deleting any 15 consecutive bases within chr6:26,157,000-26,157,022 gives the same sequence; the c. name uses the placement nearest the transcript's 3' end. VCF-style (leftmost placement, unchanged base first): chr6-26156999-CGCCAAGCCCAAGGCA-C. GRCh37 (hg19) VCF-style: chr6-26157227-CGCCAAGCCCAAGGCA-C.
Identifiers: ClinVar variation 3771458 (VCV003771458.14).